The following is an entry in ClinVar:

ClinVar aggregate classification (germline): Uncertain significance. Review status: criteria provided, multiple submitters, no conflicts (2 of 4 stars). 2 submissions from 2 submitters: Uncertain significance (2). Last evaluated 2025-11-03.

Allele frequency attached by ClinVar (database versions not stated): gnomAD 0.00042 and 0.00048; 1000 Genomes Project 30x 0.00047; ExAC 0.00020; TOPMed 0.00049; gnomAD exomes 0.00012; ESP Exome Variant Server 0.00069; 1000 Genomes Project 0.00040.
gnomAD v4.1: 149 of 1,613,642 alleles (0.0092%); highest among the groups gnomAD compares: African/African-American, 0.17%; no homozygotes.

Submissions (2):

Labcorp Genetics (formerly Invitae), Labcorp
Classification: Uncertain significance. Last evaluated: 2025-11-03. Review status: criteria provided, single submitter. Criteria: Invitae Variant Classification Sherloc (09022015). Collection method: clinical testing. Allele origin: germline.
Comment: This sequence change replaces alanine, which is neutral and non-polar, with serine, which is neutral and polar, at codon 37 of the MRPL44 protein (p.Ala37Ser). This variant is present in population databases (rs143105143, gnomAD 0.2%). This variant has not been reported in the literature in individuals affected with MRPL44-related conditions. ClinVar contains an entry for this variant (Variation ID: 1467357). An algorithm developed to predict the effect of missense changes on protein structure and function (PolyPhen-2) suggests that this variant is likely to be disruptive. In summary, the available evidence is currently insufficient to determine the role of this variant in disease. Therefore, it has been classified as a Variant of Uncertain Significance.

GeneDx
Classification: Uncertain significance. Last evaluated: 2024-06-25. Review status: criteria provided, single submitter. Criteria: GeneDx Variant Classification Process June 2021. Collection method: clinical testing. Allele origin: germline.
Comment: In silico analysis indicates that this missense variant does not alter protein structure/function; Has not been previously published as pathogenic or benign to our knowledge

NM_022915.5(MRPL44):c.109G>T (p.Ala37Ser)

Gene: MRPL44 (mitochondrial ribosomal protein L44; plus strand). Cytogenetic location: 2q36.1.
Variant type: single nucleotide variant.
Coding change: c.109G>T on transcript NM_022915.5 (MANE Select); coding-DNA position 109, G replaced by T.
Protein change: p.Ala37Ser; replaces alanine 37 with serine.
Molecular consequence: missense variant.
Genome position (GRCh38, 1-based): chr2:223,957,581, G>T. VCF-style: chr2-223957581-G-T. GRCh37 (hg19) VCF-style: chr2-224822298-G-T.
Other names: short protein forms A37S.
Identifiers: ClinVar variation 1467357 (VCV001467357.8), dbSNP rs143105143, ClinGen allele CA2138982.
Genomic context (GRCh38, chr2:223,957,581, plus strand): 5'-CTGGCTCCAGTCGCCCCCAAGCTGGTCCCTCCGGTTCGGGGAGTGAAGAAGGGATTCCGC[G>T]CCGCCTTCCGCTTCCAGAAGGAGTTAGAGCGGCAGCGCCTTCTGCGGTGCCCGCCGCCGC-3'
Protein context (NP_075066.1, residues 27-47): PVRGVKKGFR[Ala37Ser]AFRFQKELER